The following is an entry in ClinVar:

ClinVar aggregate classification (germline): Benign/Likely benign. Review status: criteria provided, multiple submitters, no conflicts (2 of 4 stars). 9 submissions from 9 submitters: Benign (5); Likely benign (2). 2 of the submissions do not count toward it. Last evaluated 2026-04-03.

Conditions:
Deficiency of aromatic-L-amino-acid decarboxylase. Also called: AADC DEFICIENCY; DDC DEFICIENCY; DOPA DECARBOXYLASE DEFICIENCY; Aromatic amino acid decarboxylase deficiency; Aromatic L-Amino Acid Decarboxylase Deficiency. Identifiers: Orphanet 35708, MedGen C1291564, MONDO:0012084, OMIM 608643.

Allele frequency attached by ClinVar (database versions not stated): 1000 Genomes Project 30x 0.99344; TOPMed 0.99360; gnomAD 0.99398 and 0.99435; ExAC 0.99818; gnomAD exomes 0.99851 and 0.99938; 1000 Genomes Project 0.99321; ESP Exome Variant Server 0.99331.

Submissions (9):

Women's Health and Genetics/Laboratory Corporation of America, LabCorp
Classification: Benign. Last evaluated: 2026-04-03. Review status: criteria provided, single submitter. Criteria: LabCorp Variant Classification Summary - May 2015. Collection method: clinical testing. Allele origin: germline.

Labcorp Genetics (formerly Invitae), Labcorp
Classification: Benign for Deficiency of aromatic-L-amino-acid decarboxylase. Last evaluated: 2026-02-04. Review status: criteria provided, single submitter. Criteria: Invitae Variant Classification Sherloc (09022015). Collection method: clinical testing. Allele origin: germline.

Mayo Clinic Laboratories, Mayo Clinic
Classification: Likely benign. Last evaluated: 2025-09-19. Review status: criteria provided, single submitter. Criteria: ACMG Guidelines, 2015. Collection method: clinical testing. Allele origin: germline. Observed: 917 variant alleles.
Comment: BS1, BP4

Blueprint Genetics
Classification: Likely benign. Last evaluated: 2024-11-27. Review status: criteria provided, single submitter. Criteria: ACMG Guidelines, 2015. Collection method: clinical testing. Allele origin: germline.

Unidad de Genómica Garrahan, Hospital de Pediatría Garrahan
Classification: Benign. Last evaluated: 2024-07-31. Review status: criteria provided, single submitter. Criteria: ACMG Guidelines, 2015. Collection method: clinical testing. Allele origin: germline. Affected: no. Observed: 93 variant alleles.
Comment: This variant is classified as Benign based on local population frequency. This variant was detected in 100% of patients studied in a panel designed for Epileptic and Developmental Encephalopathy, Progressive Myoclonus Epilepsy and Abnormal Movements and Neurodegeneration with brain iron accumulation. Number of patients: 93. Only high quality variants are reported.

Genome-Nilou Lab
Classification: Benign for Deficiency of aromatic-L-amino-acid decarboxylase. Last evaluated: 2021-07-30. Review status: criteria provided, single submitter. Criteria: ACMG Guidelines, 2015. Collection method: clinical testing. Allele origin: germline. Affected: no.

Breakthrough Genomics
Classification: Benign. Review status: criteria provided, single submitter. Criteria: ACMG Guidelines, 2015. Collection method: not provided. Allele origin: germline. Inheritance: Autosomal recessive inheritance. Affected: yes.

Clinical Genetics, Academic Medical Center
Classification: Benign. Review status: no assertion criteria provided. Collection method: clinical testing. Allele origin: germline. Affected: yes. Study: VKGL Data-share Consensus. Not counted in ClinVar's aggregate classification.

Diagnostic Laboratory, Department of Genetics, University Medical Center Groningen
Classification: Benign. Review status: no assertion criteria provided. Collection method: clinical testing. Allele origin: germline. Affected: yes. Study: VKGL Data-share Consensus. Not counted in ClinVar's aggregate classification.

Literature cited by the submitters: PubMed 36427457 (cited by Mayo Clinic Laboratories, Mayo Clinic).

NM_001082971.2(DDC):c.49A>G (p.Met17Val)

Gene: DDC (dopa decarboxylase; minus strand). Cytogenetic location: 7p12.1.
Variant type: single nucleotide variant.
Coding change: c.49A>G on transcript NM_001082971.2 (MANE Select); coding-DNA position 49, A replaced by G.
Protein change: p.Met17Val; replaces methionine 17 with valine.
Molecular consequence: missense variant.
Genome position (GRCh38, 1-based): chr7:50,544,037, T>C on the plus strand (A>G on the coding strand, the complement: DDC is on the minus strand). VCF-style: chr7-50544037-T-C. GRCh37 (hg19) VCF-style: chr7-50611735-T-C.
Other names: p.Met17Val; c.49A>G, p.Met17Val (NM_000790.4, NM_001242886.2, NM_001242887.2 and 3 more transcripts); short protein forms M17V.
Identifiers: ClinVar variation 1168240 (VCV001168240.22), dbSNP rs6264, ClinGen allele CA4262512.